The following is an entry in ClinVar:

NM_199420.4(POLQ):c.1820A>G (p.Lys607Arg)

Gene: POLQ (DNA polymerase theta; minus strand). Cytogenetic location: 3q13.33.
Variant type: single nucleotide variant.
Coding change: c.1820A>G on transcript NM_199420.4 (MANE Select); coding-DNA position 1820, A replaced by G.
Protein change: p.Lys607Arg; replaces lysine 607 with arginine.
Molecular consequence: missense variant.
Genome position (GRCh38, 1-based): chr3:121,509,700, T>C on the plus strand (A>G on the coding strand, the complement: POLQ is on the minus strand). VCF-style: chr3-121509700-T-C. GRCh37 (hg19) VCF-style: chr3-121228547-T-C.
Other names: short protein forms K607R.
Identifiers: ClinVar variation 1780754 (VCV001780754.3), dbSNP rs2048237296, ClinGen allele CA354114079.

ClinVar aggregate classification (germline): Uncertain significance (1 of 4 stars; one submission).

Allele frequency attached by ClinVar (database versions not stated): gnomAD exomes below 0.00001.

Submission:

Ambry Genetics
Classification: Uncertain significance. Last evaluated: 2024-10-19. Review status: criteria provided, single submitter. Criteria: Ambry Variant Classification Scheme 2023. Collection method: clinical testing. Allele origin: germline.
Comment: The p.K607R variant (also known as c.1820A>G), located in coding exon 12 of the POLQ gene, results from an A to G substitution at nucleotide position 1820. The lysine at codon 607 is replaced by arginine, an amino acid with highly similar properties. This amino acid position is conserved. In addition, this alteration is predicted to be tolerated by in silico analysis. Since supporting evidence is limited at this time, the clinical significance of this alteration remains unclear.